The following is an entry in ClinVar:

NM_138387.4(G6PC3):c.199_218+1del

Genes: G6PC3 (glucose-6-phosphatase catalytic subunit 3; plus strand), LOC130060959 (ATAC-STARR-seq lymphoblastoid active region 12250; plus strand). Cytogenetic location: 17q21.31.
Variant type: Deletion.
Coding change: c.199_218+1del on transcript NM_138387.4 (MANE Select); coding-DNA position 199 through the canonical splice donor site of the intron after coding-DNA position 218, 21 bases deleted (CTCAACCTCATCTTCAAGTGG).
Molecular consequence: splice donor variant. On other transcripts: 5 prime UTR variant (1), intron variant (1).
Genome position (GRCh38, 1-based): chr17:44,071,164-44,071,184, CTCAACCTCATCTTCAAGTGG deleted; deleting any 21 consecutive bases within chr17:44,071,159-44,071,184 gives the same sequence; the c. name uses the placement nearest the transcript's 3' end. VCF-style (leftmost placement, unchanged base first): chr17-44071158-GAGTGGCTCAACCTCATCTTCA-G. GRCh37 (hg19) VCF-style: chr17-42148526-GAGTGGCTCAACCTCATCTTCA-G.
Other names: NM_138387.3(G6PC3):c.199_218+1delCTCAACCTCATCTTCAAGTGG; p.?; c.-206_-186del (NM_001384165.1); c.-312+450_-311-444del (NM_001384168.1); c.-341_-322+1del (NM_001384166.1); c.-331_-312+1del (NM_001384167.1); c.199_218+1del (NM_001319945.2, NM_138387.3); c.199_218+1delCTCAACCTCATCTTCAAGTGG (NM_138387.3).
Identifiers: ClinVar variation 691994 (VCV000691994.4), dbSNP rs1597905369, ClinGen allele CA915950132.

ClinVar aggregate classification (germline): Pathogenic. Review status: criteria provided, multiple submitters, no conflicts (2 of 4 stars). 2 submissions from 2 submitters: Pathogenic (2). Last evaluated 2022-06-01.

Conditions:
Autosomal recessive severe congenital neutropenia due to G6PC3 deficiency. Also called: G6PC3 Deficiency; NEUTROPENIA, SEVERE CONGENITAL, 4, AUTOSOMAL RECESSIVE. Identifiers: Orphanet 331176, MedGen C2751630, MONDO:0012930, OMIM 612541.

Submissions (2):

Mayo Clinic Laboratories, Mayo Clinic
Classification: Pathogenic. Last evaluated: 2022-06-01. Review status: criteria provided, single submitter. Criteria: ACMG Guidelines, 2015. Collection method: clinical testing. Allele origin: germline. Observed: 1 variant allele.
Comment: PM2, PM3_strong, PVS1_strong

Rady Children's Institute for Genomic Medicine, Rady Children's Hospital San Diego
Classification: Pathogenic for PULMONARY ARTERIAL HYPERTENSION, LEUKOPENIA, AND ATRIAL SEPTAL DEFECT. Last evaluated: 2017-07-19. Review status: criteria provided, single submitter. Criteria: ACMG Guidelines, 2015. Collection method: clinical testing. Allele origin: germline. Affected: yes. Observed: 1 variant allele.
Comment: This in-frame deletion is predicted to impact the canonical splice site region between exon and intron 1 and result in aberrant splicing. This variant has not been previously reported or functionally characterized in the literature to our knowledge. Loss of function variants downstream of this variant have been reported in patients with Dursun syndrome. Based on the predicted functional impact of this variant and supporting evidence, this variant is classified as pathogenic.

Literature cited by the submitters: PubMed 22469094 (cited by Mayo Clinic Laboratories, Mayo Clinic); PubMed 31019026 (cited by Mayo Clinic Laboratories, Mayo Clinic); PubMed 31564432 (cited by Mayo Clinic Laboratories, Mayo Clinic).